The following is an entry in ClinVar:

ClinVar aggregate classification (germline): Benign. Review status: criteria provided, multiple submitters, no conflicts (2 of 4 stars). 3 submissions from 3 submitters: Benign (3). Last evaluated 2016-01-27.

Allele frequency attached by ClinVar (database versions not stated): TOPMed 0.08975; 1000 Genomes Project 0.06709; gnomAD 0.09709 and 0.09674; gnomAD exomes 0.08333; 1000 Genomes Project 30x 0.07121.

Submissions (3):

PreventionGenetics, part of Exact Sciences
Classification: Benign. Last evaluated: 2016-01-27. Review status: criteria provided, single submitter. Criteria: ACMG Guidelines, 2015. Collection method: clinical testing. Allele origin: germline.

GeneDx
Classification: Benign. Last evaluated: 2015-12-02. Review status: criteria provided, single submitter. Criteria: GeneDx Variant Classification (06012015). Collection method: clinical testing. Allele origin: germline. Affected: yes.
Comment: This variant is considered likely benign or benign based on one or more of the following criteria: it is a conservative change, it occurs at a poorly conserved position in the protein, it is predicted to be benign by multiple in silico algorithms, and/or has population frequency not consistent with disease.

Breakthrough Genomics
Classification: Benign. Review status: criteria provided, single submitter. Criteria: ACMG Guidelines, 2015. Collection method: not provided. Allele origin: germline. Inheritance: Autosomal recessive inheritance. Affected: yes.

NM_000035.3(ALDOB):c.-211T>A

Gene: ALDOB (aldolase, fructose-bisphosphate B; minus strand). Cytogenetic location: 9q31.1.
Variant type: single nucleotide variant.
Coding change: c.-211T>A on transcript NM_000035.3; 211 bases upstream of the start codon, T replaced by A.
Genome position (GRCh38, 1-based): chr9:101,435,909, A>T on the plus strand (T>A on the coding strand, the complement: ALDOB is on the minus strand). VCF-style: chr9-101435909-A-T. GRCh37 (hg19) VCF-style: chr9-104198191-A-T.
Identifiers: ClinVar variation 254730 (VCV000254730.5), dbSNP rs12337537, ClinGen allele CA10587017.